The following is an entry in ClinVar:

NM_001377530.1(DMBT1):c.5727A>C (p.Pro1909=)

Gene: DMBT1 (deleted in malignant brain tumors 1; plus strand). Cytogenetic location: 10q26.13.
Variant type: single nucleotide variant.
Coding change: c.5727A>C on transcript NM_001377530.1 (MANE Select); coding-DNA position 5727, A replaced by C.
Protein change: p.Pro1909=; no amino-acid change (proline 1909 retained).
Molecular consequence: synonymous variant.
Genome position (GRCh38, 1-based): chr10:122,629,898, A>C. VCF-style: chr10-122629898-A-C. GRCh37 (hg19) VCF-style: chr10-124389414-A-C.
Other names: c.5340A>C, p.Pro1780= (NM_001320644.2, NM_007329.3); c.3456A>C, p.Pro1152= (NM_004406.3); c.5310A>C, p.Pro1770= (NM_017579.3).
Identifiers: ClinVar variation 3035136 (VCV003035136.2), dbSNP rs76568846, ClinGen allele CA5728036.
Genomic context (GRCh38, chr10:122,629,898, plus strand): 5'-AGGACCCTCTTCAAATTGTGGTGGCTTCTTATTCTATGCCAGTGGGACATTCTCCAGCCC[A>C]TCCTACCCTGCATACTACCCCAACAATGCTAAGTGTGTTTGGGAAATAGAAGTGAATTCT-3'
Protein context (NP_001364459.1, residues 1899-1919): LFYASGTFSS[Pro1909=]SYPAYYPNNA

ClinVar aggregate classification (germline): Benign (0 of 4 stars; one submission).

Conditions:
DMBT1-related disorder. Also called: DMBT1-related condition.

Allele frequency attached by ClinVar (database versions not stated): gnomAD exomes 0.00023; ExAC 0.00070; ESP Exome Variant Server 0.00158; 1000 Genomes Project 0.00200; gnomAD 0.00223; 1000 Genomes Project 30x 0.00234; TOPMed 0.00277.
gnomAD v4.1: 713 of 1,613,996 alleles (0.044%); highest among the groups gnomAD compares: African/African-American, 0.78%; 3 homozygotes.

Submission:

PreventionGenetics, part of Exact Sciences
Classification: Benign for DMBT1-related condition. Last evaluated: 2019-08-12. Review status: no assertion criteria provided. Collection method: clinical testing. Allele origin: germline.
Comment: This variant is classified as benign based on ACMG/AMP sequence variant interpretation guidelines (Richards et al. 2015 PMID: 25741868, with internal and published modifications).